The following is an entry in ClinVar:

ClinVar aggregate classification (germline): Uncertain significance. Review status: criteria provided, multiple submitters, no conflicts (2 of 4 stars). 2 submissions from 2 submitters: Uncertain significance (2). Last evaluated 2025-03-08.

Conditions:
Hereditary cancer-predisposing syndrome. Also called: Neoplastic Syndromes, Hereditary; Hereditary Cancer Syndrome; Tumor predisposition; Hereditary neoplastic syndrome. Identifiers: Orphanet 140162, MedGen C0027672, MeSH D009386, MONDO:0015356.

Submissions (2):

Ambry Genetics
Classification: Uncertain significance for Hereditary cancer-predisposing syndrome. Last evaluated: 2025-03-08. Review status: criteria provided, single submitter. Criteria: Ambry Variant Classification Scheme 2023. Collection method: clinical testing. Allele origin: germline.
Comment: The p.I649M variant (also known as c.1947T>G), located in coding exon 12 of the RAD50 gene, results from a T to G substitution at nucleotide position 1947. The isoleucine at codon 649 is replaced by methionine, an amino acid with highly similar properties. This amino acid position is conserved. In addition, this alteration is predicted to be tolerated by in silico analysis. Based on the available evidence, the clinical significance of this variant remains unclear.

Labcorp Genetics (formerly Invitae), Labcorp
Classification: Uncertain significance for Hereditary cancer-predisposing syndrome. Last evaluated: 2021-12-23. Review status: criteria provided, single submitter. Criteria: Invitae Variant Classification Sherloc (09022015). Collection method: clinical testing. Allele origin: germline.
Comment: This sequence change replaces isoleucine, which is neutral and non-polar, with methionine, which is neutral and non-polar, at codon 649 of the RAD50 protein (p.Ile649Met). This variant is not present in population databases (gnomAD no frequency). This variant has not been reported in the literature in individuals affected with RAD50-related conditions. ClinVar contains an entry for this variant (Variation ID: 853784). Algorithms developed to predict the effect of missense changes on protein structure and function are either unavailable or do not agree on the potential impact of this missense change (SIFT: "Tolerated"; PolyPhen-2: "Possibly Damaging"; Align-GVGD: "Class C0"). In summary, the available evidence is currently insufficient to determine the role of this variant in disease. Therefore, it has been classified as a Variant of Uncertain Significance.

NM_005732.4(RAD50):c.1947T>G (p.Ile649Met)

Gene: RAD50 (RAD50 double strand break repair protein; plus strand). Cytogenetic location: 5q31.1.
Variant type: single nucleotide variant.
Coding change: c.1947T>G on transcript NM_005732.4 (MANE Select); coding-DNA position 1947, T replaced by G.
Protein change: p.Ile649Met; replaces isoleucine 649 with methionine.
Molecular consequence: missense variant.
Genome position (GRCh38, 1-based): chr5:132,595,022, T>G. VCF-style: chr5-132595022-T-G. GRCh37 (hg19) VCF-style: chr5-131930714-T-G.
Other names: short protein forms I649M.
Identifiers: ClinVar variation 853784 (VCV000853784.11), dbSNP rs750512999, ClinGen allele CA360948520.
Genomic context (GRCh38, chr5:132,595,022, plus strand): 5'-GTTTGATGTTTGTGGTAGCCAGGATTTTGAAAGTGATTTAGACAGGCTTAAAGAGGAAAT[T>G]GAAAAATCATCAAAACAGCGAGGTAAGTTGTCTACTTTATATTATCAGGATACTTTGACA-3'
Protein context (NP_005723.2, residues 639-659): ESDLDRLKEE[Ile649Met]EKSSKQRAML